The following is an entry in ClinVar:

NM_015141.4(GPD1L):c.520G>A (p.Glu174Lys)

Gene: GPD1L (glycerol-3-phosphate dehydrogenase 1 like; plus strand). Cytogenetic location: 3p22.3.
Variant type: single nucleotide variant.
Coding change: c.520G>A on transcript NM_015141.4 (MANE Select); coding-DNA position 520, G replaced by A.
Protein change: p.Glu174Lys; replaces glutamic acid 174 with lysine.
Molecular consequence: missense variant.
Genome position (GRCh38, 1-based): chr3:32,146,636, G>A. VCF-style: chr3-32146636-G-A. GRCh37 (hg19) VCF-style: chr3-32188128-G-A.
Other names: p.E174K:GAG>AAG; short protein forms E174K.
Identifiers: ClinVar variation 180369 (VCV000180369.20), dbSNP rs112122950, ClinGen allele CA235696.

ClinVar aggregate classification (germline): Conflicting classifications of pathogenicity. Review status: criteria provided, conflicting classifications (1 of 4 stars). 7 submissions from 7 submitters: Uncertain significance (4); Likely benign (3). Last evaluated 2025-12-15.

Conditions:
Cardiovascular phenotype. Identifiers: MedGen CN230736.
Brugada syndrome. Also called: Sudden unexpected nocturnal death syndrome; Sudden unexplained nocturnal death syndrome; Sudden Unexplained Death Syndrome; Sudden Unexplained Nocturnal Death Syndrome (SUNDS). Identifiers: Orphanet 130, MedGen C1142166, MONDO:0015263.
Brugada syndrome 2 (BRGDA2). Identifiers: Orphanet 130, MedGen C2673193, MONDO:0012728, OMIM 611777.

Allele frequency attached by ClinVar (database versions not stated): ExAC 0.00015; gnomAD exomes 0.00020 and 0.00053; gnomAD 0.00034; TOPMed 0.00042; ESP Exome Variant Server 0.00092.
gnomAD v4.1: 831 of 1,608,816 alleles (0.052%); highest among the groups gnomAD compares: Non-Finnish European, 0.066%; 1 homozygote.

Submissions (7):

Labcorp Genetics (formerly Invitae), Labcorp
Classification: Uncertain significance for Brugada syndrome. Last evaluated: 2025-12-15. Review status: criteria provided, single submitter. Criteria: Invitae Variant Classification Sherloc (09022015). Collection method: clinical testing. Allele origin: germline.
Comment: This sequence change replaces glutamic acid, which is acidic and polar, with lysine, which is basic and polar, at codon 174 of the GPD1L protein (p.Glu174Lys). This variant is present in population databases (rs112122950, gnomAD 0.04%). This variant has not been reported in the literature in individuals affected with GPD1L-related conditions. ClinVar contains an entry for this variant (Variation ID: 180369). Invitae Evidence Modeling of protein sequence and biophysical properties (such as structural, functional, and spatial information, amino acid conservation, physicochemical variation, residue mobility, and thermodynamic stability) indicates that this missense variant is not expected to disrupt GPD1L protein function with a negative predictive value of 80%. In summary, the available evidence is currently insufficient to determine the role of this variant in disease. Therefore, it has been classified as a Variant of Uncertain Significance.

Blueprint Genetics
Classification: Uncertain significance. Last evaluated: 2024-01-31. Review status: criteria provided, single submitter. Criteria: ACMG Guidelines, 2015. Collection method: clinical testing. Allele origin: germline.

Ambry Genetics
Classification: Likely benign for Cardiovascular phenotype. Last evaluated: 2023-09-06. Review status: criteria provided, single submitter. Criteria: Ambry Variant Classification Scheme 2023. Collection method: clinical testing. Allele origin: germline.

Women's Health and Genetics/Laboratory Corporation of America, LabCorp
Classification: Likely benign. Last evaluated: 2022-11-07. Review status: criteria provided, single submitter. Criteria: LabCorp Variant Classification Summary - May 2015. Collection method: clinical testing. Allele origin: germline.
Comment: Variant summary: GPD1L c.520G>A (p.Glu174Lys) results in a conservative amino acid change located in the N-terminal domain (IPR011128) of the encoded protein sequence. Four of five in-silico tools predict a benign effect of the variant on protein function. The variant allele was found at a frequency of 0.0002 in 251460 control chromosomes, predominantly at a frequency of 0.00039 within the Non-Finnish European subpopulation in the gnomAD database. The observed variant frequency within Non-Finnish European control individuals in the gnomAD database is approximately 39 fold of the estimated maximal expected allele frequency for a pathogenic variant in GPD1L causing Arrhythmia phenotype (1e-05), strongly suggesting that the variant is a benign polymorphism found primarily in populations of Non-Finnish European origin. c.520G>A has been reported in the literature as a VUS together with several other variants in at-least one 16-month old infant with sudden unexplained death (example, Sanchez 2016). The report does not provide unequivocal conclusions about association of the variant with Arrhythmia. To our knowledge, no experimental evidence demonstrating an impact on protein function has been reported. Two ClinVar submitters (evaluation after 2014) cite the variant as uncertain significance. Based on the evidence outlined above, the variant was classified as likely benign.

GeneDx
Classification: Uncertain significance. Last evaluated: 2022-03-21. Review status: criteria provided, single submitter. Criteria: GeneDx Variant Classification Process June 2021. Collection method: clinical testing. Allele origin: germline. Affected: yes.
Comment: Also reported in one individual from a cohort of individuals not selected for cardiomyopathy, arrhythmia or family history of sudden cardiac death who underwent exome sequencing, although a follow-up cardiac evaluation was not described (Ng et al., 2013); In silico analysis supports that this missense variant does not alter protein structure/function; This variant is associated with the following publications: (PMID: 23861362, 27930701)

Center for Genomics, Ann and Robert H. Lurie Children's Hospital of Chicago
Classification: Uncertain significance for Brugada syndrome 2. Last evaluated: 2021-03-30. Review status: criteria provided, single submitter. Criteria: ACMG Guidelines, 2015. Collection method: clinical testing. Allele origin: germline.
Comment: GPD1L NM_015141.3 exon 5 p.Glu174Lys (c.520G>A): This variant has not been reported in the literature and is present in 0.04% (53/129170) of European alleles in the Genome Aggregation Database. This variant is present in ClinVar (Variation ID:180369). This variant amino acid Lysine (Lys) is present in multiple species including the parrot, scarlet macaw, and spiny softshell turtle, and it is not well conserved among evolutionarily distant species; this suggests that this variant may not impact the protein. Additional computational prediction tools do not suggest an impact. In summary, data on this variant is insufficient for disease classification. Therefore, the clinical significance of this variant is uncertain.

Biesecker Lab/Clinical Genomics Section, National Institutes of Health
Classification: Likely benign. Last evaluated: 2013-06-24. Review status: criteria provided, single submitter. Criteria: Ng et al. (Circ Cardiovasc Genet. 2013). Collection method: research. Allele origin: unknown. Observed: 1 variant allele. Study: ClinSeq.
Comment: The study set was not selected for affection status in relation to any cancer. Pathogenicity categories were based on literature curation. See Pubmed ID:23861362 for details.

Medical sequencing

Literature cited by the submitters: PubMed 23861362 (cited by Ambry Genetics); PubMed 27930701 (cited by Ambry Genetics and Women's Health and Genetics/Laboratory Corporation of America, LabCorp).